The following is an entry in ClinVar:

ClinVar aggregate classification (germline): not provided (0 of 4 stars; one submission).

Conditions:
Large for gestational age. Identifiers: MedGen C1848395, HP:0001520.

Submission:

Institute of Molecular and Cell Biology, University of Tartu
No classification provided. Condition: Large for gestational age. Review status: no classification provided. Collection method: case-control. Allele origin: unknown. Affected: yes. Study: Kasak2014.
Comment: The study aimed to determine the contribution of copy number variants in the genetic etiology of normal and complicated pregnancies. The samples represented (i) maternal blood DNA drawn from healthy pregnant women during 1st or 2nd trimester and (ii) maternal and paternal blood DNA drawn at term pregnancy cases representing normal and complicated gestations (severe preeclampsia, PE; gestational diabetes, GD; small-for-gestational age newborn, SGA; large-for-gestational age newborn, LGA). We performed CNV calling based on genome-wide genotyping dataset (Illumina HumanOmniExpress-24-v1 BeadChip) by applying three algorithms, QuantiSNP, GADA (Genome Alteration Detection Algorithm) and CNstream in parallel. The acquired CNV calls were merged with HD-CNV (Hotspot Detector for Copy Number Variants) program and only the CNVs predicted by at least two programs, were considered in subsequent analysis.

Literature cited by the submitters: PubMed 25666259.

NC_000012.12:g.7777575_7993566dup

Genes: NANOG (Nanog homeobox; plus strand), SLC2A14 (solute carrier family 2 member 14; minus strand), SLC2A3 (solute carrier family 2 member 3; minus strand), LOC108942766 (NANOG 5' regulatory region; plus strand), LOC116268429 (CRISPRi-validated cis-regulatory element chr12.441; plus strand) and 9 more. Cytogenetic location: 12p13.31.
Variant type: Duplication.
Identifiers: ClinVar variation 157236 (VCV000157236.3).